The following is an entry in ClinVar:

NM_001367624.2(ZNF469):c.11486A>G (p.Glu3829Gly)

Gene: ZNF469 (zinc finger protein 469; plus strand). Cytogenetic location: 16q24.2.
Variant type: single nucleotide variant.
Coding change: c.11486A>G on transcript NM_001367624.2 (MANE Select); coding-DNA position 11486, A replaced by G.
Protein change: p.Glu3829Gly; replaces glutamic acid 3829 with glycine.
Molecular consequence: missense variant.
Genome position (GRCh38, 1-based): chr16:88,438,956, A>G. VCF-style: chr16-88438956-A-G. GRCh37 (hg19) VCF-style: chr16-88505364-A-G.
Other names: short protein forms E3829G.
Identifiers: ClinVar variation 4525741 (VCV004525741.1).
Genomic context (GRCh38, chr16:88,438,956, plus strand): 5'-AGAAGGGAGAGAGCAGTACGAAGAGGAAAAAGGGCCAGGTCCCAGGGCCAGCCAGGAGTG[A>G]AAGTGTGGGGAGCTTCGGGAGAGCCCCCTCAGCCCCTGACAAGCCCCCCCGGACCCCTCG-3'
Protein context (NP_001354553.1, residues 3819-3839): KGQVPGPARS[Glu3829Gly]SVGSFGRAPS

ClinVar aggregate classification (germline): Uncertain significance (1 of 4 stars; one submission).

Submission:

Women's Health and Genetics/Laboratory Corporation of America, LabCorp
Classification: Uncertain significance. Last evaluated: 2025-07-21. Review status: criteria provided, single submitter. Criteria: LabCorp Variant Classification Summary - May 2015. Collection method: clinical testing. Allele origin: germline.
Comment: Variant summary: ZNF469 c.11486A>G (p.Glu3829Gly) results in a non-conservative amino acid change in the encoded protein sequence. Algorithms developed to predict the effect of missense changes on protein structure and function are either unavailable or do not agree on the potential impact of this missense change. The variant was absent in 153780 control chromosomes. The available data on variant occurrences in the general population are insufficient to allow any conclusion about variant significance. To our knowledge, no occurrence of c.11486A>G in individuals affected with Brittle cornea syndrome 1 and no experimental evidence demonstrating its impact on protein function have been reported. No submitters have cited clinical-significance assessments for this variant to ClinVar. Based on the evidence outlined above, the variant was classified as uncertain significance.